The following is an entry in ClinVar:

ClinVar aggregate classification (germline): Pathogenic (1 of 4 stars; one submission).

Conditions:
Menkes kinky-hair syndrome (MNK). Also called: Classic Menkes Disease; Copper transport disease; Menkes Disease. Identifiers: Orphanet 565, MedGen C0022716, MONDO:0010651, OMIM 309400.

Submission:

Kasturba Medical College, Manipal, Kasturba Medical College, Manipal, Manipal Academy of Higher Education, Manipal, India
Classification: Pathogenic for Menkes kinky-hair syndrome. Last evaluated: 2021-04-15. Review status: criteria provided, single submitter. Criteria: ACMG Guidelines, 2015. Collection method: clinical testing. Allele origin: germline. Inheritance: Autosomal dominant inheritance. Affected: yes.
Comment: This is a null variant in a gene with loss of function disease mechanism, so PVS1 was applied. PM2 was applied as the variant was absent in the population databases. In silico scores predict the variant to be damaging to protein function, thus PP3 is applied.

NM_000052.7(ATP7A):c.2388G>A (p.Trp796Ter)

Gene: ATP7A (ATPase copper transporting alpha; plus strand). Cytogenetic location: Xq21.1.
Variant type: single nucleotide variant.
Coding change: c.2388G>A on transcript NM_000052.7 (MANE Select); coding-DNA position 2388, G replaced by A.
Protein change: p.Trp796Ter; replaces tryptophan 796 with a stop codon.
Molecular consequence: nonsense. On other transcripts: intron variant (1).
Genome position (GRCh38, 1-based): chrX:78,013,094, G>A. VCF-style: chrX-78013094-G-A. GRCh37 (hg19) VCF-style: chrX-77268591-G-A.
Other names: c.2172+1420G>A (NM_001282224.2); short protein forms W796*.
Identifiers: ClinVar variation 3340089 (VCV003340089.1).
Genomic context (GRCh38, chrX:78,013,094, plus strand): 5'-CCCTATTACTTTCTTTGACACACCCCCTATGCTGTTTGTGTTTATTGCACTAGGCCGATG[G>A]CTGGAACATATAGCAAAGGTAAAGTAAGAAAGGGTGACATTTGTTAAAATGTTGGGTGGA-3'